The following is an entry in ClinVar:

ClinVar aggregate classification (germline): Benign (1 of 4 stars; one submission).

Conditions:
Lynch syndrome 5 (LYNCH5). Also called: Colorectal cancer, hereditary nonpolyposis, type 5; Hereditary non-polyposis colorectal cancer, type 5. Identifiers: Orphanet 144, MedGen C1833477, MONDO:0013710, OMIM 614350. Disease mechanism: loss of function.

Submission:

Myriad Genetics, Inc.
Classification: Benign for Lynch syndrome 5. Last evaluated: 2024-12-30. Review status: criteria provided, single submitter. Criteria: Myriad Autosomal Dominant, Autosomal Recessive and X-Linked Classification Criteria (2023). Collection method: clinical testing. Allele origin: unknown.
Comment: This variant is considered benign. This variant is a silent/synonymous amino acid change and it is not expected to impact splicing.

NM_000179.3(MSH6):c.2016A>T (p.Thr672=)

Gene: MSH6 (mutS homolog 6; plus strand). Cytogenetic location: 2p16.3.
Variant type: single nucleotide variant.
Coding change: c.2016A>T on transcript NM_000179.3 (MANE Select); coding-DNA position 2016, A replaced by T.
Protein change: p.Thr672=; no amino-acid change (threonine 672 retained).
Molecular consequence: synonymous variant. On other transcripts: non-coding transcript variant (5), intron variant (2).
Genome position (GRCh38, 1-based): chr2:47,799,999, A>T. VCF-style: chr2-47799999-A-T. GRCh37 (hg19) VCF-style: chr2-48027138-A-T.
Other names: c.1626A>T, p.Thr542= (NM_001281492.2); c.1110A>T, p.Thr370= (NM_001281493.2, NM_001281494.2, NM_001406811.1 and 6 more transcripts); c.2112A>T, p.Thr704= (NM_001406795.1, NM_001406802.1); c.2016A>T, p.Thr672= (NM_001406796.1, NM_001406798.1, NM_001406800.1 and 3 more transcripts); c.1719A>T, p.Thr573= (NM_001406797.1, NM_001406801.1, NM_001406805.1 and 10 more transcripts); c.1491A>T, p.Thr497= (NM_001406799.1, NM_001406806.1, NM_001406807.1); c.1938A>T, p.Thr646= (NM_001406804.1); c.2022A>T, p.Thr674= (NM_001406813.1); and 3 more.
Identifiers: ClinVar variation 3904025 (VCV003904025.1).